The following is an entry in ClinVar:

ClinVar aggregate classification (germline): Uncertain significance (1 of 4 stars; one submission).

Submission:

Dasa
Classification: Uncertain significance. Last evaluated: 2025-02-13. Review status: criteria provided, single submitter. Criteria: DASA Assertion Criteria. Collection method: clinical testing. Allele origin: germline.
Comment: NM_006618.5(KDM5B):c.1655T>A (p.Leu552His) is a missense variant that results in the substitution of leucine with histidine. This variant is absent from population databases. Computational prediction algorithms are consistent with a deleterious effect. The currently available literature and clinical evidence are not sufficient to establish a definitive association between this variant and the reported condition. Therefore, this variant is classified as a variant of uncertain significance.

NM_006618.5(KDM5B):c.1655T>A (p.Leu552His)

Gene: KDM5B (lysine demethylase 5B; minus strand). Cytogenetic location: 1q32.1.
Variant type: single nucleotide variant.
Coding change: c.1655T>A on transcript NM_006618.5 (MANE Select); coding-DNA position 1655, T replaced by A.
Protein change: p.Leu552His; replaces leucine 552 with histidine.
Molecular consequence: missense variant.
Genome position (GRCh38, 1-based): chr1:202,752,951, A>T on the plus strand (T>A on the coding strand, the complement: KDM5B is on the minus strand). VCF-style: chr1-202752951-A-T. GRCh37 (hg19) VCF-style: chr1-202722079-A-T.
Other names: c.1763T>A, p.Leu588His (NM_001314042.2); c.1520T>A, p.Leu507His (NM_001347591.2); c.1640T>A, p.Leu547His (NM_001399817.1); short protein forms L507H, L547H, L552H, L588H.
Identifiers: ClinVar variation 4881677 (VCV004881677.2).